The following is an entry in ClinVar:

GRCh37/hg19 6q27(chr6:170466312-170919482)x1

Genes: DLL1 (delta like canonical Notch ligand 1; minus strand), FAM120B (family with sequence similarity 120 member B; plus strand), PDCD2 (programmed cell death 2; minus strand), PSMB1 (proteasome 20S subunit beta 1; minus strand), TBP (TATA-box binding protein; plus strand). Cytogenetic location: 6q27.
Variant type: copy number loss.
Change: copy number 1 (one copy instead of two) of chr6:170,466,312-170,919,482 (453.2 kb, GRCh37 coordinates, 1-based), cytogenetic band 6q27.
Identifiers: ClinVar variation 2685224 (VCV002685224.1).

ClinVar aggregate classification (germline): Pathogenic (1 of 4 stars; one submission).

Submission:

Quest Diagnostics Nichols Institute San Juan Capistrano
Classification: Pathogenic. Last evaluated: 2022-08-10. Review status: criteria provided, single submitter. Criteria: ACMG/ClinGen CNV Guidelines, 2019. Collection method: clinical testing. Allele origin: unknown.
Comment: This terminal copy number loss of 6q27 involves multiple protein-coding genes, including DLL1 (OMIM 606582) and TBP (OMIM 600075). Haploinsufficiency of DLL1 has been associated with autosomal dominant neurodevelopmental disorder with nonspecific brain abnormalities and with or without seizures (NEDBAS; OMIM 618709). As copy number losses of this interval have been associated with a clinical phenotype, and there are no similar copy number losses of this region in the general populations of the Database of Genomic Variants, the classification of this copy number variant (CNV) is pathogenic. References: Eash et al., Clin Genet. 2005 May;67(5):396-403. PMID: 15811006 Thakur et al., Am J Med Genet A. 2018 Sep;176(9):1985-1990. PMID: 30194807